The following is an entry in ClinVar:

NM_000548.5(TSC2):c.4485C>G (p.Ile1495Met)

Gene: TSC2 (TSC complex subunit 2; plus strand). Cytogenetic location: 16p13.3.
Variant type: single nucleotide variant.
Coding change: c.4485C>G on transcript NM_000548.5 (MANE Select); coding-DNA position 4485, C replaced by G.
Protein change: p.Ile1495Met; replaces isoleucine 1495 with methionine.
Molecular consequence: missense variant.
Genome position (GRCh38, 1-based): chr16:2,084,707, C>G. VCF-style: chr16-2084707-C-G. GRCh37 (hg19) VCF-style: chr16-2134708-C-G.
Other names: c.4284C>G, p.Ile1428Met (NM_001077183.3); c.4416C>G, p.Ile1472Met (NM_001114382.3); c.4176C>G, p.Ile1392Met (NM_001318827.2); c.4140C>G, p.Ile1380Met (NM_001318829.2); c.3753C>G, p.Ile1251Met (NM_001318831.2); c.4317C>G, p.Ile1439Met (NM_001318832.2); c.4287C>G, p.Ile1429Met (NM_001363528.2); c.4353C>G, p.Ile1451Met (NM_001370404.1); and 1 more; short protein forms I1251M, I1495M, I1380M, I1451M, I1392M, I1428M, I1429M, I1472M.
Identifiers: ClinVar variation 824930 (VCV000824930.41), dbSNP rs1030218603, ClinGen allele CA276753631.

ClinVar aggregate classification (germline): Conflicting classifications of pathogenicity. Review status: criteria provided, conflicting classifications (1 of 4 stars). 5 submissions from 5 submitters: Uncertain significance (4); Benign (1). Last evaluated 2025-12-09.

Conditions:
Hereditary cancer-predisposing syndrome. Also called: Tumor predisposition; Hereditary neoplastic syndrome; Neoplastic Syndromes, Hereditary; Hereditary Cancer Syndrome. Identifiers: Orphanet 140162, MedGen C0027672, MeSH D009386, MONDO:0015356.
Tuberous sclerosis 2 (TSC2). Identifiers: Orphanet 805, MedGen C1860707, MONDO:0013199, OMIM 613254.

Allele frequency attached by ClinVar (database versions not stated): gnomAD exomes below 0.00001; TOPMed 0.00001.
gnomAD v4.1: 2 of 1,598,556 alleles (0.00013%); highest among the groups gnomAD compares: Non-Finnish European, 0.00017%; no homozygotes.

Submissions (5):

Labcorp Genetics (formerly Invitae), Labcorp
Classification: Benign for Tuberous sclerosis 2. Last evaluated: 2025-12-09. Review status: criteria provided, single submitter. Criteria: Invitae Variant Classification Sherloc (09022015). Collection method: clinical testing. Allele origin: germline.

Ambry Genetics
Classification: Uncertain significance for Hereditary cancer-predisposing syndrome. Last evaluated: 2025-04-09. Review status: criteria provided, single submitter. Criteria: Ambry Variant Classification Scheme 2023. Collection method: clinical testing. Allele origin: germline.
Comment: The p.I1495M variant (also known as c.4485C>G), located in coding exon 33 of the TSC2 gene, results from a C to G substitution at nucleotide position 4485. The isoleucine at codon 1495 is replaced by methionine, an amino acid with highly similar properties. This variant was detected as heterozygous in individual(s) with no reported features of tuberous sclerosis complex (Ambry internal data). This amino acid position is well conserved in available vertebrate species. In addition, the in silico prediction for this alteration is inconclusive. Based on the available evidence, the clinical significance of this variant remains unclear.

CeGaT Center for Human Genetics Tuebingen
Classification: Uncertain significance. Last evaluated: 2024-02-01. Review status: criteria provided, single submitter. Criteria: CeGaT Center For Human Genetics Tuebingen Variant Classification Criteria Version 2. Collection method: clinical testing. Allele origin: germline. Affected: yes. Observed: 1 variant allele.
Comment: TSC2: PM2

Genome-Nilou Lab
Classification: Uncertain significance for Tuberous sclerosis 2. Last evaluated: 2021-11-07. Review status: criteria provided, single submitter. Criteria: ACMG Guidelines, 2015. Collection method: clinical testing. Allele origin: germline. Affected: no.

GeneDx
Classification: Uncertain significance. Last evaluated: 2019-12-27. Review status: criteria provided, single submitter. Criteria: GeneDx Variant Classification Process June 2021. Collection method: clinical testing. Allele origin: germline. Affected: yes.
Comment: Not observed in large population cohorts (Lek 2016); In silico analysis, which includes protein predictors and evolutionary conservation, supports that this variant does not alter protein structure/function; Has not been previously published as pathogenic or benign to our knowledge

Literature cited by the submitters: PubMed 30548481 (cited by Ambry Genetics).